The following is an entry in ClinVar:

ClinVar aggregate classification (germline): Uncertain significance. Review status: criteria provided, multiple submitters, no conflicts (2 of 4 stars). 2 submissions from 2 submitters: Uncertain significance (2). Last evaluated 2025-12-01.

Conditions:
Mitochondrial complex II deficiency, nuclear type 1. Also called: SUCCINATE CoQ REDUCTASE DEFICIENCY. Identifiers: Orphanet 3208, MedGen C5700310, MONDO:0100294, OMIM 252011.
Pheochromocytoma/paraganglioma syndrome 5. Also called: SDHA-Related Hereditary Paraganglioma-Pheochromocytoma Syndrome; Paragangliomas 5. Identifiers: Orphanet 29072, MedGen C3279992, MONDO:0013602, OMIM 614165.
Hereditary cancer-predisposing syndrome. Also called: Neoplastic Syndromes, Hereditary; Hereditary Cancer Syndrome; Tumor predisposition; Hereditary neoplastic syndrome. Identifiers: Orphanet 140162, MedGen C0027672, MeSH D009386, MONDO:0015356.

Allele frequency attached by ClinVar (database versions not stated): TOPMed below 0.00001; gnomAD 0.00001; gnomAD exomes 0.00001.
gnomAD v4.1: 4 of 1,614,012 alleles (0.00025%); highest among the groups gnomAD compares: Non-Finnish European, 0.00034%; no homozygotes.

Submissions (2):

Labcorp Genetics (formerly Invitae), Labcorp
Classification: Uncertain significance for Pheochromocytoma/paraganglioma syndrome 5; Mitochondrial complex II deficiency, nuclear type 1. Last evaluated: 2025-12-01. Review status: criteria provided, single submitter. Criteria: Invitae Variant Classification Sherloc (09022015). Collection method: clinical testing. Allele origin: germline.
Comment: This sequence change falls in intron 9 of the SDHA gene. It does not directly change the encoded amino acid sequence of the SDHA protein. It affects a nucleotide within the consensus splice site. This variant is present in population databases (no rsID available, gnomAD 0.007%). This variant has not been reported in the literature in individuals affected with SDHA-related conditions. ClinVar contains an entry for this variant (Variation ID: 412330). Variants that disrupt the consensus splice site are a relatively common cause of aberrant splicing (PMID: 17576681, 9536098). Algorithms developed to predict the effect of sequence changes on RNA splicing suggest that this variant may disrupt the consensus splice site. In summary, the available evidence is currently insufficient to determine the role of this variant in disease. Therefore, it has been classified as a Variant of Uncertain Significance.

Ambry Genetics
Classification: Uncertain significance for Hereditary cancer-predisposing syndrome. Last evaluated: 2024-11-12. Review status: criteria provided, single submitter. Criteria: Ambry Variant Classification Scheme 2023. Collection method: clinical testing. Allele origin: germline.
Comment: The c.1260+4A>G intronic variant results from an A to G substitution 4 nucleotides after coding exon 9 in the SDHA gene. This nucleotide position is well conserved in available vertebrate species. In silico splice site analysis predicts that this alteration will weaken the native splice donor site. RNA studies have demonstrated that this alteration results in a splice defect; the clinical impact of this abnormal splicing is unknown at this time (Ambry internal data). Since supporting evidence is limited at this time, the clinical significance of this alteration remains unclear.

Literature cited by the submitters: PubMed 17576681 (cited by Labcorp Genetics (formerly Invitae), Labcorp); PubMed 9536098 (cited by Labcorp Genetics (formerly Invitae), Labcorp).

NM_004168.4(SDHA):c.1260+4A>G

Gene: SDHA (succinate dehydrogenase complex flavoprotein subunit A; plus strand). Cytogenetic location: 5p15.33.
Variant type: single nucleotide variant.
Coding change: c.1260+4A>G on transcript NM_004168.4 (MANE Select); 4 bases into the intron after coding-DNA position 1260, A replaced by G.
Molecular consequence: intron variant.
Genome position (GRCh38, 1-based): chr5:235,343, A>G. VCF-style: chr5-235343-A-G. GRCh37 (hg19) VCF-style: chr5-235458-A-G.
Other names: c.1260+4A>G (NM_001330758.2); c.1116+4A>G (NM_001294332.2).
Identifiers: ClinVar variation 412330 (VCV000412330.13), dbSNP rs1060503702, ClinGen allele CA16611960.